The following is an entry in ClinVar:

ClinVar aggregate classification (germline): Conflicting classifications of pathogenicity. Review status: criteria provided, conflicting classifications (1 of 4 stars). 3 submissions from 3 submitters: Uncertain significance (2); Likely benign (1). Last evaluated 2026-03-24.

Conditions:
Hereditary cancer-predisposing syndrome. Also called: Tumor predisposition; Hereditary Cancer Syndrome; Hereditary neoplastic syndrome; Neoplastic Syndromes, Hereditary. Identifiers: Orphanet 140162, MedGen C0027672, MeSH D009386, MONDO:0015356.
Hereditary breast ovarian cancer syndrome. Also called: Hereditary breast and/or ovarian cancer syndrome; Hereditary breast and ovarian cancer syndrome; Hereditary breast and ovarian cancer syndrome (HBOC); BRCA1- and BRCA2-Associated Hereditary Breast and Ovarian Cancer; Hereditary breast and ovarian cancer; Breast and ovarian cancer. Identifiers: Orphanet 145, MedGen C0677776, MeSH D061325, MONDO:0003582. Disease mechanism: loss of function.

Submissions (3):

Ambry Genetics
Classification: Uncertain significance for Hereditary cancer-predisposing syndrome. Last evaluated: 2026-03-24. Review status: criteria provided, single submitter. Criteria: Ambry Variant Classification Scheme 2023. Collection method: clinical testing. Allele origin: germline.
Comment: The p.E377A variant (also known as c.1130A>C), located in coding exon 9 of the BRCA2 gene, results from an A to C substitution at nucleotide position 1130. The glutamic acid at codon 377 is replaced by alanine, an amino acid with dissimilar properties. This amino acid position is conserved. In addition, this alteration is predicted to be tolerated by in silico analysis. Based on the available evidence, the clinical significance of this variant remains unclear.

University of Washington Department of Laboratory Medicine, University of Washington
Classification: Likely benign for Hereditary cancer-predisposing syndrome. Last evaluated: 2023-03-23. Review status: criteria provided, single submitter. Criteria: Dines et al. (Genet Med. 2020). Collection method: curation. Allele origin: germline.
Comment: Missense variant in a coldspot region where missense variants are very unlikely to be pathogenic (PMID:31911673).

BRCA2 exon 10 coldspot. Reclassification based on statistical prior probability.

Labcorp Genetics (formerly Invitae), Labcorp
Classification: Uncertain significance for Hereditary breast ovarian cancer syndrome. Last evaluated: 2022-04-28. Review status: criteria provided, single submitter. Criteria: Invitae Variant Classification Sherloc (09022015). Collection method: clinical testing. Allele origin: germline.
Comment: This sequence change replaces glutamic acid, which is acidic and polar, with alanine, which is neutral and non-polar, at codon 377 of the BRCA2 protein (p.Glu377Ala). This variant is not present in population databases (gnomAD no frequency). This variant has not been reported in the literature in individuals affected with BRCA2-related conditions. Advanced modeling of protein sequence and biophysical properties (such as structural, functional, and spatial information, amino acid conservation, physicochemical variation, residue mobility, and thermodynamic stability) performed at Invitae indicates that this missense variant is not expected to disrupt BRCA2 protein function. In summary, the available evidence is currently insufficient to determine the role of this variant in disease. Therefore, it has been classified as a Variant of Uncertain Significance.

NM_000059.4(BRCA2):c.1130A>C (p.Glu377Ala)

Gene: BRCA2 (BRCA2 DNA repair associated; plus strand). Cytogenetic location: 13q13.1.
Variant type: single nucleotide variant.
Coding change: c.1130A>C on transcript NM_000059.4 (MANE Select); coding-DNA position 1130, A replaced by C.
Protein change: p.Glu377Ala; replaces glutamic acid 377 with alanine.
Molecular consequence: missense variant.
Genome position (GRCh38, 1-based): chr13:32,332,608, A>C. VCF-style: chr13-32332608-A-C. GRCh37 (hg19) VCF-style: chr13-32906745-A-C.
Other names: c.1130A>C, p.Glu377Ala (NM_001406719.1, NM_001406720.1, NM_001406721.1); short protein forms E377A.
Identifiers: ClinVar variation 2131589 (VCV002131589.7), dbSNP rs2137467921, ClinGen allele CA387761723.
Genomic context (GRCh38, chr13:32,332,608, plus strand): 5'-AAGTGGAACCAAATGATACTGATCCATTAGATTCAAATGTAGCAAATCAGAAGCCCTTTG[A>C]GAGTGGAAGTGACAAAATCTCCAAGGAAGTTGTACCGTCTTTGGCCTGTGAATGGTCTCA-3'
Protein context (NP_000050.3, residues 367-387): DSNVANQKPF[Glu377Ala]SGSDKISKEV